The following is an entry in ClinVar:

ClinVar aggregate classification (germline): Likely pathogenic. Review status: criteria provided, multiple submitters, no conflicts (2 of 4 stars). 2 submissions from 2 submitters: Likely pathogenic (2). Last evaluated 2024-06-19.

Conditions:
Autosomal recessive Alport syndrome (ATS2). Also called: COL4A3-Related Nephropathy; COL4A4 Alport Syndrome and Thin Basement Membrane Nephropathy; ALPORT SYNDROME 2, AUTOSOMAL RECESSIVE; Alport syndrome type 2. Identifiers: Orphanet 63, Orphanet 88919, MedGen C4746745, MONDO:0008762, OMIM 203780.
Hematuria, benign familial, 1 (BFH1). Also called: THIN MEMBRANE NEPHROPATHY. Identifiers: MedGen CN376803, MONDO:0007709, OMIM 141200.

Allele frequency attached by ClinVar (database versions not stated): gnomAD exomes below 0.00001.
gnomAD v4.1: 3 of 1,613,514 alleles (0.00019%); highest among the groups gnomAD compares: East Asian, 0.0022%; no homozygotes.

Submissions (2):

Fulgent Genetics
Classification: Likely pathogenic for Hematuria, benign familial, 1; Autosomal recessive Alport syndrome. Last evaluated: 2024-06-19. Review status: criteria provided, single submitter. Criteria: ACMG Guidelines, 2015. Collection method: clinical testing. Allele origin: germline.

Myriad Genetics, Inc.
Classification: Likely pathogenic for Autosomal recessive Alport syndrome. Last evaluated: 2022-03-14. Review status: criteria provided, single submitter. Criteria: Myriad Women's Health Autosomal Recessive and X-Linked Classification Criteria (2021). Collection method: clinical testing. Allele origin: unknown.
Comment: NM_000092.4(COL4A4):c.556C>T(Q186*) is expected to be pathogenic in the context of COL4A4-related Alport syndrome. This variant is predicted to lead to an abnormal or absent protein product due to the creation of a premature termination codon in COL4A4, a gene where loss-of-function variants are known to be pathogenic. Please note: this variant was assessed in the context of healthy population screening.

NM_000092.5(COL4A4):c.556C>T (p.Gln186Ter)

Gene: COL4A4 (collagen type IV alpha 4 chain; minus strand). Cytogenetic location: 2q36.3.
Variant type: single nucleotide variant.
Coding change: c.556C>T on transcript NM_000092.5 (MANE Select); coding-DNA position 556, C replaced by T.
Protein change: p.Gln186Ter; replaces glutamine 186 with a stop codon.
Molecular consequence: nonsense.
Genome position (GRCh38, 1-based): chr2:227,114,630, G>A on the plus strand (C>T on the coding strand, the complement: COL4A4 is on the minus strand). VCF-style: chr2-227114630-G-A. GRCh37 (hg19) VCF-style: chr2-227979346-G-A.
Other names: short protein forms Q186*.
Identifiers: ClinVar variation 1725229 (VCV001725229.3), dbSNP rs1351388457, ClinGen allele CA350861218.